The following is an entry in ClinVar:

NM_000361.3(THBD):c.1319C>T (p.Thr440Met)

Gene: THBD (thrombomodulin; minus strand). Cytogenetic location: 20p11.21.
Variant type: single nucleotide variant.
Coding change: c.1319C>T on transcript NM_000361.3 (MANE Select); coding-DNA position 1319, C replaced by T.
Protein change: p.Thr440Met; replaces threonine 440 with methionine.
Molecular consequence: missense variant.
Genome position (GRCh38, 1-based): chr20:23,048,186, G>A on the plus strand (C>T on the coding strand, the complement: THBD is on the minus strand). VCF-style: chr20-23048186-G-A. GRCh37 (hg19) VCF-style: chr20-23028823-G-A.
Other names: short protein forms T440M.
Identifiers: ClinVar variation 1516186 (VCV001516186.7), dbSNP rs1438620913, ClinGen allele CA408405772.

ClinVar aggregate classification (germline): Uncertain significance. Review status: criteria provided, multiple submitters, no conflicts (2 of 4 stars). 2 submissions from 2 submitters: Uncertain significance (2). Last evaluated 2025-07-02.

Conditions:
Atypical hemolytic-uremic syndrome with thrombomodulin anomaly. Also called: HEMOLYTIC UREMIC SYNDROME, ATYPICAL, SUSCEPTIBILITY TO, 6; AHUS, SUSCEPTIBILITY TO, 6. Identifiers: MedGen C2752036, MONDO:0013044, OMIM 612926. Disease mechanism: gain of function.
Thrombomodulin-related bleeding disorder (THPH12). Also called: Thrombophilia due to thrombomodulin defect. Identifiers: Orphanet 436169, MedGen C3280976, MONDO:0013775, OMIM 614486.

Allele frequency attached by ClinVar (database versions not stated): gnomAD exomes 0.00001.
gnomAD v4.1: 13 of 1,614,040 alleles (0.00081%); highest among the groups gnomAD compares: East Asian, 0.013%; no homozygotes.

Submissions (2):

Labcorp Genetics (formerly Invitae), Labcorp
Classification: Uncertain significance. Last evaluated: 2025-07-02. Review status: criteria provided, single submitter. Criteria: Invitae Variant Classification Sherloc (09022015). Collection method: clinical testing. Allele origin: germline.
Comment: This sequence change replaces threonine, which is neutral and polar, with methionine, which is neutral and non-polar, at codon 440 of the THBD protein (p.Thr440Met). This variant is present in population databases (no rsID available, gnomAD 0.006%). This variant has not been reported in the literature in individuals affected with THBD-related conditions. ClinVar contains an entry for this variant (Variation ID: 1516186). Invitae Evidence Modeling of protein sequence and biophysical properties (such as structural, functional, and spatial information, amino acid conservation, physicochemical variation, residue mobility, and thermodynamic stability) indicates that this missense variant is not expected to disrupt THBD protein function with a negative predictive value of 80%. In summary, the available evidence is currently insufficient to determine the role of this variant in disease. Therefore, it has been classified as a Variant of Uncertain Significance.

Fulgent Genetics
Classification: Uncertain significance for Atypical hemolytic-uremic syndrome with thrombomodulin anomaly; Thrombomodulin-related bleeding disorder. Last evaluated: 2021-10-28. Review status: criteria provided, single submitter. Criteria: ACMG Guidelines, 2015. Collection method: clinical testing. Allele origin: unknown.